The following is an entry in ClinVar:

ClinVar aggregate classification (germline): Uncertain significance. Review status: criteria provided, multiple submitters, no conflicts (2 of 4 stars). 4 submissions from 4 submitters: Uncertain significance (4). Last evaluated 2023-06-06.

Conditions:
Charcot-Marie-Tooth disease axonal type 2O. Also called: Charcot-Marie-Tooth disease, axonal, type 20; CHARCOT-MARIE-TOOTH NEUROPATHY, AXONAL, TYPE 2O; CHARCOT-MARIE-TOOTH DISEASE, AXONAL, AUTOSOMAL DOMINANT, TYPE 2O; Charcot-Marie-Tooth Neuropathy Type 2O. Identifiers: Orphanet 284232, MedGen C3280220, MONDO:0013644, OMIM 614228.
Cortical dysplasia, complex, with other brain malformations 13. Also called: Intellectual disability, autosomal dominant 13. Identifiers: MedGen C3281202, MONDO:0013805, OMIM 614563.

Allele frequency attached by ClinVar (database versions not stated): gnomAD exomes below 0.00001.
gnomAD v4.1: 3 of 1,614,020 alleles (0.00019%); highest among the groups gnomAD compares: Non-Finnish European, 0.00025%; no homozygotes.

Submissions (4):

Greenwood Genetic Center Diagnostic Laboratories, Greenwood Genetic Center
Classification: Uncertain significance. Last evaluated: 2023-06-06. Review status: criteria provided, single submitter. Criteria: ACMG Guidelines, 2015. Collection method: clinical testing. Allele origin: germline. Affected: yes.
Comment: PM2, PP2

CeGaT Center for Human Genetics Tuebingen
Classification: Uncertain significance. Last evaluated: 2021-09-01. Review status: criteria provided, single submitter. Criteria: CeGaT Center For Human Genetics Tuebingen Variant Classification Criteria Version 2. Collection method: clinical testing. Allele origin: germline. Affected: yes. Observed: 2 variant alleles.

Labcorp Genetics (formerly Invitae), Labcorp
Classification: Uncertain significance for Charcot-Marie-Tooth disease axonal type 2O. Last evaluated: 2019-10-12. Review status: criteria provided, single submitter. Criteria: Invitae Variant Classification Sherloc (09022015). Collection method: clinical testing. Allele origin: germline.
Comment: This variant has not been reported in the literature in individuals with DYNC1H1-related conditions. This variant is not present in population databases (ExAC no frequency). This sequence change replaces arginine with cysteine at codon 2235 of the DYNC1H1 protein (p.Arg2235Cys). The arginine residue is highly conserved and there is a large physicochemical difference between arginine and cysteine. Algorithms developed to predict the effect of missense changes on protein structure and function (SIFT, PolyPhen-2, Align-GVGD) all suggest that this variant is likely to be disruptive, but these predictions have not been confirmed by published functional studies and their clinical significance is uncertain. In summary, the available evidence is currently insufficient to determine the role of this variant in disease. Therefore, it has been classified as a Variant of Uncertain Significance. Algorithms developed to predict the effect of sequence changes on RNA splicing suggest that this variant may create or strengthen a splice site, but this prediction has not been confirmed by published transcriptional studies.

Neuberg Centre For Genomic Medicine, NCGM
Classification: Uncertain significance for Cortical dysplasia, complex, with other brain malformations 13. Review status: criteria provided, single submitter. Criteria: ACMG Guidelines, 2015. Collection method: clinical testing. Allele origin: germline. Inheritance: Autosomal dominant inheritance. Affected: yes.
Comment: The missense c.6703C>Tp.Arg2235Cys variant in DYNC1H1 gene has not been reported previously as a pathogenic variant nor as a benign variant, to our knowledge. This variant is novel not in any individuals in gnomAD Exomes and 1000 Genomes. This variant has been reported to the ClinVar database as Uncertain Significance. However, no details are available for independent assessment. The amino acid Arg at position 2235 is changed to a Cys changing protein sequence and it might alter its composition and physico-chemical properties. The amino acid change p.Arg2235Cys in DYNC1H1 is predicted as conserved by GERP++ and PhyloP across 100 vertebrates. The variant is predicted as damaging by SIFT. For these reasons, this variant has been classified as Uncertain Significance.

NM_001376.5(DYNC1H1):c.6703C>T (p.Arg2235Cys)

Gene: DYNC1H1 (dynein cytoplasmic 1 heavy chain 1; plus strand). Cytogenetic location: 14q32.31.
Variant type: single nucleotide variant.
Coding change: c.6703C>T on transcript NM_001376.5 (MANE Select); coding-DNA position 6703, C replaced by T.
Protein change: p.Arg2235Cys; replaces arginine 2235 with cysteine.
Molecular consequence: missense variant.
Genome position (GRCh38, 1-based): chr14:102,011,959, C>T. VCF-style: chr14-102011959-C-T. GRCh37 (hg19) VCF-style: chr14-102478296-C-T.
Other names: short protein forms R2235C.
Identifiers: ClinVar variation 937426 (VCV000937426.44), dbSNP rs2048263659, ClinGen allele CA391057410.